The following is an entry in ClinVar:

ClinVar aggregate classification (germline): Uncertain significance (1 of 4 stars; one submission).

Conditions:
Hereditary breast ovarian cancer syndrome. Also called: Hereditary breast and/or ovarian cancer syndrome; Hereditary breast and ovarian cancer; Hereditary breast and ovarian cancer syndrome; Breast and ovarian cancer; Hereditary breast and ovarian cancer syndrome (HBOC); BRCA1- and BRCA2-Associated Hereditary Breast and Ovarian Cancer. Identifiers: Orphanet 145, MedGen C0677776, MeSH D061325, MONDO:0003582. Disease mechanism: loss of function.

Submission:

Labcorp Genetics (formerly Invitae), Labcorp
Classification: Uncertain significance for Hereditary breast ovarian cancer syndrome. Last evaluated: 2025-06-12. Review status: criteria provided, single submitter. Criteria: Invitae Variant Classification Sherloc (09022015). Collection method: clinical testing. Allele origin: germline.
Comment: This sequence change replaces lysine, which is basic and polar, with asparagine, which is neutral and polar, at codon 1343 of the BRCA2 protein (p.Lys1343Asn). This variant is not present in population databases (gnomAD no frequency). This variant has not been reported in the literature in individuals affected with BRCA2-related conditions. ClinVar contains an entry for this variant (Variation ID: 2826605). Invitae Evidence Modeling of protein sequence and biophysical properties (such as structural, functional, and spatial information, amino acid conservation, physicochemical variation, residue mobility, and thermodynamic stability) indicates that this missense variant is not expected to disrupt BRCA2 protein function with a negative predictive value of 95%. In summary, the available evidence is currently insufficient to determine the role of this variant in disease. Therefore, it has been classified as a Variant of Uncertain Significance.

NM_000059.4(BRCA2):c.4029A>T (p.Lys1343Asn)

Gene: BRCA2 (BRCA2 DNA repair associated; plus strand). Cytogenetic location: 13q13.1.
Variant type: single nucleotide variant.
Coding change: c.4029A>T on transcript NM_000059.4 (MANE Select); coding-DNA position 4029, A replaced by T.
Protein change: p.Lys1343Asn; replaces lysine 1343 with asparagine.
Molecular consequence: missense variant. On other transcripts: non-coding transcript variant (1), intron variant (2).
Genome position (GRCh38, 1-based): chr13:32,338,384, A>T. VCF-style: chr13-32338384-A-T. GRCh37 (hg19) VCF-style: chr13-32912521-A-T.
Other names: c.4029A>T, p.Lys1343Asn (NM_001406719.1, NM_001406720.1); c.1909+4997A>T (NM_001406721.1); c.425-6174A>T (NM_001406722.1); short protein forms K1343N.
Identifiers: ClinVar variation 2826605 (VCV002826605.3), dbSNP rs2137502229, ClinGen allele CA387779060.